The following is an entry in ClinVar:

NM_001382430.1(AKT1):c.1200G>T (p.Lys400Asn)

Gene: AKT1 (AKT serine/threonine kinase 1; minus strand). Cytogenetic location: 14q32.33.
Variant type: single nucleotide variant.
Coding change: c.1200G>T on transcript NM_001382430.1 (MANE Select); coding-DNA position 1200, G replaced by T.
Protein change: p.Lys400Asn; replaces lysine 400 with asparagine.
Molecular consequence: missense variant.
Genome position (GRCh38, 1-based): chr14:104,772,425, C>A on the plus strand (G>T on the coding strand, the complement: AKT1 is on the minus strand). VCF-style: chr14-104772425-C-A. GRCh37 (hg19) VCF-style: chr14-105238762-C-A.
Other names: c.1200G>T, p.Lys400Asn (NM_001014431.2, NM_001014432.2, NM_001382431.1 and 3 more transcripts); short protein forms K400N.
Identifiers: ClinVar variation 2453704 (VCV002453704.2), dbSNP rs772629378, ClinGen allele CA391216331.

ClinVar aggregate classification (germline): Uncertain significance (1 of 4 stars; one submission).

Conditions:
Inborn genetic diseases. Identifiers: MedGen C0950123, MeSH D030342.

Submission:

Ambry Genetics
Classification: Uncertain significance for Inborn genetic diseases. Last evaluated: 2022-11-16. Review status: criteria provided, single submitter. Criteria: Ambry Variant Classification Scheme 2023. Collection method: clinical testing. Allele origin: germline.
Comment: The p.K400N variant (also known as c.1200G>T), located in coding exon 11 of the AKT1 gene, results from a G to T substitution at nucleotide position 1200. The lysine at codon 400 is replaced by asparagine, an amino acid with similar properties. This amino acid position is conserved. In addition, this alteration is predicted to be tolerated by in silico analysis. Since supporting evidence is limited at this time, the clinical significance of this alteration remains unclear.